The following is an entry in ClinVar:

NM_199420.4(POLQ):c.466T>A (p.Tyr156Asn)

Gene: POLQ (DNA polymerase theta; minus strand). Cytogenetic location: 3q13.33.
Variant type: single nucleotide variant.
Coding change: c.466T>A on transcript NM_199420.4 (MANE Select); coding-DNA position 466, T replaced by A.
Protein change: p.Tyr156Asn; replaces tyrosine 156 with asparagine.
Molecular consequence: missense variant.
Genome position (GRCh38, 1-based): chr3:121,541,357, A>T on the plus strand (T>A on the coding strand, the complement: POLQ is on the minus strand). VCF-style: chr3-121541357-A-T. GRCh37 (hg19) VCF-style: chr3-121260204-A-T.
Other names: short protein forms Y156N.
Identifiers: ClinVar variation 2448966 (VCV002448966.2), dbSNP rs2546825860, ClinGen allele CA354092536.
Genomic context (GRCh38, chr3:121,541,357, plus strand): 5'-AGACTGCCAATAATGAGCCTTTCACTATTTCAAACTTAGTAAAAAACATTACCTGGAGGT[A>T]GTATTTCTTCTCTTTAGCCACAGAAACAAAGGGAAGAATAAACAAAGCTTTCTTCCGCAT-3'
Protein context (NP_955452.3, residues 146-166): FVSVAKEKKY[Tyr156Asn]LQSLFQEVGI

ClinVar aggregate classification (germline): Uncertain significance (1 of 4 stars; one submission).

Submission:

Ambry Genetics
Classification: Uncertain significance. Last evaluated: 2023-01-01. Review status: criteria provided, single submitter. Criteria: Ambry Variant Classification Scheme 2023. Collection method: clinical testing. Allele origin: germline.
Comment: The p.Y156N variant (also known as c.466T>A), located in coding exon 3 of the POLQ gene, results from a T to A substitution at nucleotide position 466. The tyrosine at codon 156 is replaced by asparagine, an amino acid with dissimilar properties. This amino acid position is conserved. In addition, the in silico prediction for this alteration is inconclusive. Since supporting evidence is limited at this time, the clinical significance of this alteration remains unclear.